The following is an entry in ClinVar:

ClinVar aggregate classification (germline): Conflicting classifications of pathogenicity. Review status: criteria provided, conflicting classifications (1 of 4 stars). 3 submissions from 3 submitters: Uncertain significance (2); Likely benign (1). Last evaluated 2026-01-25.

Allele frequency attached by ClinVar (database versions not stated): ExAC 0.00003; gnomAD 0.00005.
gnomAD v4.1: 14 of 1,614,082 alleles (0.00087%); highest among the groups gnomAD compares: African/African-American, 0.016%; no homozygotes.

Submissions (3):

GeneDx
Classification: Uncertain significance. Last evaluated: 2026-01-25. Review status: criteria provided, single submitter. Criteria: GeneDx Variant Classification Process June 2021. Collection method: clinical testing. Allele origin: germline. Affected: yes.
Comment: In silico analysis supports that this missense variant has a deleterious effect on protein structure/function; Has not been previously published as pathogenic or benign to our knowledge; This variant is associated with the following publications: (PMID: 9590290, 21520338, 31554319)

Labcorp Genetics (formerly Invitae), Labcorp
Classification: Likely benign. Last evaluated: 2024-07-31. Review status: criteria provided, single submitter. Criteria: Invitae Variant Classification Sherloc (09022015). Collection method: clinical testing. Allele origin: germline.

Blueprint Genetics
Classification: Uncertain significance. Last evaluated: 2024-06-17. Review status: criteria provided, single submitter. Criteria: ACMG Guidelines, 2015. Collection method: clinical testing. Allele origin: germline.

NM_005422.4(TECTA):c.4848C>A (p.Asn1616Lys)

Genes: TBCEL-TECTA (TBCEL-TECTA readthrough; plus strand), TECTA (tectorin alpha; plus strand). Cytogenetic location: 11q23.3.
Variant type: single nucleotide variant.
Coding change: c.4848C>A on transcript NM_005422.4 (MANE Select); coding-DNA position 4848, C replaced by A.
Protein change: p.Asn1616Lys; replaces asparagine 1616 with lysine.
Molecular consequence: missense variant.
Genome position (GRCh38, 1-based): chr11:121,160,293, C>A. VCF-style: chr11-121160293-C-A. GRCh37 (hg19) VCF-style: chr11-121031002-C-A.
Other names: c.5805C>A, p.Asn1935Lys (NM_001378761.1); short protein forms N1616K, N1935K.
Identifiers: ClinVar variation 2443434 (VCV002443434.5), dbSNP rs967424883, ClinGen allele CA6327583.